The following is an entry in ClinVar:

NM_031466.8(TRAPPC9):c.-74C>A

Gene: TRAPPC9 (trafficking protein particle complex subunit 9; minus strand). Cytogenetic location: 8q24.3.
Variant type: single nucleotide variant.
Coding change: c.-74C>A on transcript NM_031466.8; 74 bases upstream of the start codon, C replaced by A.
Molecular consequence: 5 prime UTR variant.
Genome position (GRCh38, 1-based): chr8:140,458,344, G>T on the plus strand (C>A on the coding strand, the complement: TRAPPC9 is on the minus strand). VCF-style: chr8-140458344-G-T. GRCh37 (hg19) VCF-style: chr8-141468443-G-T.
Identifiers: ClinVar variation 547917 (VCV000547917.13), dbSNP rs139214686, ClinGen allele CA4893852.

ClinVar aggregate classification (germline): Uncertain significance. Review status: criteria provided, multiple submitters, no conflicts (2 of 4 stars). 5 submissions from 5 submitters: Uncertain significance (5). Last evaluated 2024-10-11.

Conditions:
Inborn genetic diseases. Identifiers: MedGen C0950123, MeSH D030342.
Intellectual developmental disorder, autosomal recessive 13. Also called: Intellectual disability, autosomal recessive 13. Identifiers: Orphanet 88616, MedGen C2750791, MONDO:0013173, OMIM 613192.

Allele frequency attached by ClinVar (database versions not stated): 1000 Genomes Project 0.00020; gnomAD exomes 0.00011; ESP Exome Variant Server 0.00008; gnomAD 0.00011; ExAC 0.00033; TOPMed 0.00011; 1000 Genomes Project 30x 0.00016.
gnomAD v4.1: 102 of 1,586,612 alleles (0.0064%); highest among the groups gnomAD compares: Middle Eastern, 0.2%; 1 homozygote.

Submissions (5):

Blueprint Genetics
Classification: Uncertain significance. Last evaluated: 2024-10-11. Review status: criteria provided, single submitter. Criteria: ACMG Guidelines, 2015. Collection method: clinical testing. Allele origin: germline.

Labcorp Genetics (formerly Invitae), Labcorp
Classification: Uncertain significance. Last evaluated: 2022-08-31. Review status: criteria provided, single submitter. Criteria: Invitae Variant Classification Sherloc (09022015). Collection method: clinical testing. Allele origin: germline.
Comment: This sequence change replaces alanine, which is neutral and non-polar, with glutamic acid, which is acidic and polar, at codon 74 of the TRAPPC9 protein (p.Ala74Glu). This variant is present in population databases (rs139214686, gnomAD 0.02%). This variant has not been reported in the literature in individuals affected with TRAPPC9-related conditions. ClinVar contains an entry for this variant (Variation ID: 547917). Algorithms developed to predict the effect of missense changes on protein structure and function are either unavailable or do not agree on the potential impact of this missense change (SIFT: "Not Available"; PolyPhen-2: "Benign"; Align-GVGD: "Not Available"). In summary, the available evidence is currently insufficient to determine the role of this variant in disease. Therefore, it has been classified as a Variant of Uncertain Significance.

Ambry Genetics
Classification: Uncertain significance for Inborn genetic diseases. Last evaluated: 2021-06-02. Review status: criteria provided, single submitter. Criteria: Ambry Variant Classification Scheme 2023. Collection method: clinical testing. Allele origin: germline.

Mayo Clinic Laboratories, Mayo Clinic
Classification: Uncertain significance for Intellectual developmental disorder, autosomal recessive 13. Last evaluated: 2017-02-10. Review status: criteria provided, single submitter. Criteria: ACMG Guidelines, 2015. Collection method: clinical testing. Allele origin: maternal.

Breakthrough Genomics
Classification: Uncertain significance. Review status: criteria provided, single submitter. Criteria: ACMG Guidelines, 2015. Collection method: not provided. Allele origin: germline. Inheritance: Autosomal recessive inheritance. Affected: yes.